The following is an entry in ClinVar:

ClinVar aggregate classification (germline): Likely benign (1 of 4 stars; one submission).

gnomAD v4.1: 4 of 1,613,818 alleles (0.00025%); highest among the groups gnomAD compares: Non-Finnish European, 0.00025%; no homozygotes.

Submission:

CeGaT Center for Human Genetics Tuebingen
Classification: Likely benign. Last evaluated: 2026-02-01. Review status: criteria provided, single submitter. Criteria: CeGaT Center For Human Genetics Tuebingen Variant Classification Criteria Version 2. Collection method: clinical testing. Allele origin: germline. Affected: yes. Observed: 1 variant allele.
Comment: PRRC2C: BP4, BP7

NM_001387844.1(PRRC2C):c.7209A>G (p.Gln2403=)

Gene: PRRC2C (proline rich coiled-coil 2C; plus strand). Cytogenetic location: 1q24.3.
Variant type: single nucleotide variant.
Coding change: c.7209A>G on transcript NM_001387844.1 (MANE Select); coding-DNA position 7209, A replaced by G.
Protein change: p.Gln2403=; no amino-acid change (glutamine 2403 retained).
Molecular consequence: synonymous variant.
Genome position (GRCh38, 1-based): chr1:171,579,403, A>G. VCF-style: chr1-171579403-A-G. GRCh37 (hg19) VCF-style: chr1-171548542-A-G.
Other names: c.7203A>G, p.Gln2401= (NM_015172.4).
Identifiers: ClinVar variation 4822228 (VCV004822228.4).